The following is an entry in ClinVar:

NM_001035.3(RYR2):c.1997G>A (p.Gly666Asp)

Gene: RYR2 (ryanodine receptor 2; plus strand). Cytogenetic location: 1q43.
Variant type: single nucleotide variant.
Coding change: c.1997G>A on transcript NM_001035.3 (MANE Select); coding-DNA position 1997, G replaced by A.
Protein change: p.Gly666Asp; replaces glycine 666 with aspartic acid.
Molecular consequence: missense variant.
Genome position (GRCh38, 1-based): chr1:237,496,546, G>A. VCF-style: chr1-237496546-G-A. GRCh37 (hg19) VCF-style: chr1-237659846-G-A.
Other names: short protein forms G666D.
Identifiers: ClinVar variation 1027627 (VCV001027627.1), dbSNP rs1428072554, ClinGen allele CA345391156.

ClinVar aggregate classification (germline): Uncertain significance (1 of 4 stars; one submission).

Allele frequency attached by ClinVar (database versions not stated): TOPMed below 0.00001 and 0.00001.

Submission:

Women's Health and Genetics/Laboratory Corporation of America, LabCorp
Classification: Uncertain significance. Last evaluated: 2021-03-11. Review status: criteria provided, single submitter. Criteria: LabCorp Variant Classification Summary - May 2015. Collection method: clinical testing. Allele origin: germline.
Comment: Variant summary: RYR2 c.1997G>A (p.Gly666Asp) results in a non-conservative amino acid change located in the B30.2/SPRY domain of the encoded protein sequence. Four of five in-silico tools predict a damaging effect of the variant on protein function. The variant was absent in 249112 control chromosomes. The available data on variant occurrences in the general population are insufficient to allow any conclusion about variant significance. To our knowledge, no occurrence of c.1997G>A in individuals affected with Catecholaminergic Polymorphic Ventricular Tachycardia and no experimental evidence demonstrating its impact on protein function have been reported. No clinical diagnostic laboratories have submitted clinical-significance assessments for this variant to ClinVar after 2014. Based on the evidence outlined above, the variant was classified as uncertain significance.